The following is an entry in ClinVar:

ClinVar aggregate classification (germline): Uncertain significance. Review status: criteria provided, multiple submitters, no conflicts (2 of 4 stars). 2 submissions from 2 submitters: Uncertain significance (2). Last evaluated 2020-07-27.

Conditions:
Retinitis pigmentosa (RP). Identifiers: Orphanet 791, MedGen C0035334, MeSH D012174, MONDO:0019200, OMIM 268000. Inheritance: Autosomal dominant, autosomal recessive and X linked inheritance.

Allele frequency attached by ClinVar (database versions not stated): gnomAD 0.00001; gnomAD exomes 0.00001; TOPMed 0.00001.
gnomAD v4.1: 15 of 1,614,012 alleles (0.00093%); highest among the groups gnomAD compares: Non-Finnish European, 0.0011%; no homozygotes.

Submissions (2):

Labcorp Genetics (formerly Invitae), Labcorp
Classification: Uncertain significance. Last evaluated: 2020-07-27. Review status: criteria provided, single submitter. Criteria: Invitae Variant Classification Sherloc (09022015). Collection method: clinical testing. Allele origin: germline.
Comment: In summary, the available evidence is currently insufficient to determine the role of this variant in disease. Therefore, it has been classified as a Variant of Uncertain Significance. Nucleotide substitutions within the consensus splice site are a relatively common cause of aberrant splicing (PMID: 17576681, 9536098). Algorithms developed to predict the effect of sequence changes on RNA splicing suggest that this variant may disrupt the consensus splice site, but this prediction has not been confirmed by published transcriptional studies. This variant has not been reported in the literature in individuals with CNGB1-related conditions. This variant is not present in population databases (ExAC no frequency). This sequence change falls in intron 20 of the CNGB1 gene. It does not directly change the encoded amino acid sequence of the CNGB1 protein, but it affects a nucleotide within the consensus splice site of the intron.

Illumina Laboratory Services, Illumina
Classification: Uncertain significance for Retinitis pigmentosa. Last evaluated: 2018-02-02. Review status: criteria provided, single submitter. Criteria: ICSL Variant Classification Criteria 13 December 2019. Collection method: clinical testing. Allele origin: germline.

Literature cited by the submitters: PubMed 17576681 (cited by Labcorp Genetics (formerly Invitae), Labcorp); PubMed 9536098 (cited by Labcorp Genetics (formerly Invitae), Labcorp).

NM_001297.5(CNGB1):c.1957+6T>C

Gene: CNGB1 (cyclic nucleotide gated channel subunit beta 1; minus strand). Cytogenetic location: 16q21.
Variant type: single nucleotide variant.
Coding change: c.1957+6T>C on transcript NM_001297.5 (MANE Select); 6 bases into the intron after coding-DNA position 1957, T replaced by C.
Molecular consequence: intron variant.
Genome position (GRCh38, 1-based): chr16:57,919,093, A>G on the plus strand (T>C on the coding strand, the complement: CNGB1 is on the minus strand). VCF-style: chr16-57919093-A-G. GRCh37 (hg19) VCF-style: chr16-57952997-A-G.
Other names: c.1939+6T>C (NM_001286130.2).
Identifiers: ClinVar variation 885335 (VCV000885335.12), dbSNP rs1357196940, ClinGen allele CA722138452.